The following is an entry in ClinVar:

ClinVar aggregate classification (germline): Uncertain significance (1 of 4 stars; one submission).

Conditions:
Combined oxidative phosphorylation deficiency. Identifiers: MedGen C4540031, MONDO:0000732.
Charcot-Marie-Tooth Neuropathy X. Identifiers: MedGen CN118851.

Submission:

Labcorp Genetics (formerly Invitae), Labcorp
Classification: Uncertain significance for Charcot-Marie-Tooth Neuropathy X; Combined oxidative phosphorylation deficiency. Last evaluated: 2025-08-10. Review status: criteria provided, single submitter. Criteria: Invitae Variant Classification Sherloc (09022015). Collection method: clinical testing. Allele origin: germline.
Comment: This sequence change replaces valine, which is neutral and non-polar, with isoleucine, which is neutral and non-polar, at codon 78 of the AIFM1 protein (p.Val78Ile). This variant is not present in population databases (gnomAD no frequency). This variant has not been reported in the literature in individuals affected with AIFM1-related conditions. ClinVar contains an entry for this variant (Variation ID: 1024651). Invitae Evidence Modeling of protein sequence and biophysical properties (such as structural, functional, and spatial information, amino acid conservation, physicochemical variation, residue mobility, and thermodynamic stability) indicates that this missense variant is not expected to disrupt AIFM1 protein function with a negative predictive value of 80%. In summary, the available evidence is currently insufficient to determine the role of this variant in disease. Therefore, it has been classified as a Variant of Uncertain Significance.

NM_004208.4(AIFM1):c.232G>A (p.Val78Ile)

Genes: AIFM1 (apoptosis inducing factor mitochondria associated 1; minus strand), RAB33A (RAB33A, member RAS oncogene family; plus strand). Cytogenetic location: Xq26.1.
Variant type: single nucleotide variant.
Coding change: c.232G>A on transcript NM_004208.4 (MANE Select); coding-DNA position 232, G replaced by A.
Protein change: p.Val78Ile; replaces valine 78 with isoleucine.
Molecular consequence: missense variant. On other transcripts: intron variant (1).
Genome position (GRCh38, 1-based): chrX:130,156,478, C>T on the plus strand (G>A on the coding strand, the complement: AIFM1 is on the minus strand). VCF-style: chrX-130156478-C-T. GRCh37 (hg19) VCF-style: chrX-129290452-C-T.
Other names: c.232G>A, p.Val78Ile (NM_001130847.4); c.107-1192G>A (NM_145812.3); short protein forms V78I.
Identifiers: ClinVar variation 1024651 (VCV001024651.8), dbSNP rs2031166484, ClinGen allele CA414593716.